The following is an entry in ClinVar:

ClinVar aggregate classification (germline): Uncertain significance (1 of 4 stars; one submission).

Conditions:
CHARGE syndrome (CHARGE). Also called: Hittner Hirsch Kreh syndrome; CHARGE ASSOCIATION--COLOBOMA, HEART ANOMALY, CHOANAL ATRESIA, RETARDATION, GENITAL AND EAR ANOMALIES; Coloboma, heart anomaly, choanal atresia, retardation, genital and ear anomalies; CHARGE association; Hall-Hittner syndrome. Identifiers: Orphanet 138, MedGen C0265354, MONDO:0008965.

Submission:

Labcorp Genetics (formerly Invitae), Labcorp
Classification: Uncertain significance for CHARGE syndrome. Last evaluated: 2024-10-12. Review status: criteria provided, single submitter. Criteria: Invitae Variant Classification Sherloc (09022015). Collection method: clinical testing. Allele origin: germline.
Comment: This sequence change replaces histidine, which is basic and polar, with aspartic acid, which is acidic and polar, at codon 258 of the CHD7 protein (p.His258Asp). This variant is not present in population databases (gnomAD no frequency). This variant has not been reported in the literature in individuals affected with CHD7-related conditions. Invitae Evidence Modeling of protein sequence and biophysical properties (such as structural, functional, and spatial information, amino acid conservation, physicochemical variation, residue mobility, and thermodynamic stability) indicates that this missense variant is not expected to disrupt CHD7 protein function with a negative predictive value of 95%. In summary, the available evidence is currently insufficient to determine the role of this variant in disease. Therefore, it has been classified as a Variant of Uncertain Significance.

NM_017780.4(CHD7):c.772C>G (p.His258Asp)

Gene: CHD7 (chromodomain helicase DNA binding protein 7; plus strand). Cytogenetic location: 8q12.2.
Variant type: single nucleotide variant.
Coding change: c.772C>G on transcript NM_017780.4 (MANE Select); coding-DNA position 772, C replaced by G.
Protein change: p.His258Asp; replaces histidine 258 with aspartic acid.
Molecular consequence: missense variant.
Genome position (GRCh38, 1-based): chr8:60,742,204, C>G. VCF-style: chr8-60742204-C-G. GRCh37 (hg19) VCF-style: chr8-61654763-C-G.
Other names: c.772C>G, p.His258Asp (NM_001316690.1); short protein forms H258D.
Identifiers: ClinVar variation 3711350 (VCV003711350.2).